The following is an entry in ClinVar:

NM_001376.5(DYNC1H1):c.5001C>T (p.Asn1667=)

Gene: DYNC1H1 (dynein cytoplasmic 1 heavy chain 1; plus strand). Cytogenetic location: 14q32.31.
Variant type: single nucleotide variant.
Coding change: c.5001C>T on transcript NM_001376.5 (MANE Select); coding-DNA position 5001, C replaced by T.
Protein change: p.Asn1667=; no amino-acid change (asparagine 1667 retained).
Molecular consequence: synonymous variant.
Genome position (GRCh38, 1-based): chr14:102,004,635, C>T. VCF-style: chr14-102004635-C-T. GRCh37 (hg19) VCF-style: chr14-102470972-C-T.
Other names: p.Asn1667=.
Identifiers: ClinVar variation 195810 (VCV000195810.60), dbSNP rs117199211, ClinGen allele CA201946.

ClinVar aggregate classification (germline): Benign/Likely benign. Review status: criteria provided, multiple submitters, no conflicts (2 of 4 stars). 14 submissions from 13 submitters: Benign (9); Likely benign (4). 1 of the submissions does not count toward it. Last evaluated 2026-09-01.

Conditions:
Autosomal dominant cerebellar ataxia. Also called: Spinocerebellar Ataxia, Dominant. Identifiers: Orphanet 99, MedGen C4087347, MONDO:0020380.
DYNC1H1-related disorder. Also called: DYNC1H1-related condition; DYNC1H1-related disorders. Identifiers: MedGen CN381529.
Charcot-Marie-Tooth disease. Also called: Charcot-Marie-Tooth Hereditary Neuropathy; Charcot-Marie-Tooth Neuropathy. Identifiers: Orphanet 166, MedGen C0007959, MONDO:0015626.
Inborn genetic diseases. Identifiers: MedGen C0950123, MeSH D030342.
Charcot-Marie-Tooth disease axonal type 2O. Also called: CHARCOT-MARIE-TOOTH NEUROPATHY, AXONAL, TYPE 2O; CHARCOT-MARIE-TOOTH DISEASE, AXONAL, AUTOSOMAL DOMINANT, TYPE 2O; Charcot-Marie-Tooth disease, axonal, type 20; Charcot-Marie-Tooth Neuropathy Type 2O. Identifiers: Orphanet 284232, MedGen C3280220, MONDO:0013644, OMIM 614228.

Allele frequency attached by ClinVar (database versions not stated): gnomAD 0.00137; ESP Exome Variant Server 0.00177; ExAC 0.00187; TOPMed 0.00217; 1000 Genomes Project 30x 0.00219; 1000 Genomes Project 0.00240.
gnomAD v4.1: 4,315 of 1,614,122 alleles (0.27%); highest among the groups gnomAD compares: East Asian, 0.44%; 12 homozygotes.

Submissions (14):

CeGaT Center for Human Genetics Tuebingen
Classification: Likely benign. Last evaluated: 2026-09-01. Review status: criteria provided, single submitter. Criteria: CeGaT Center For Human Genetics Tuebingen Variant Classification Criteria Version 2. Collection method: clinical testing. Allele origin: germline. Affected: yes. Observed: 20 variant alleles.
Comment: DYNC1H1: BP4, BP7, BS1

Labcorp Genetics (formerly Invitae), Labcorp
Classification: Benign for Charcot-Marie-Tooth disease axonal type 2O. Last evaluated: 2026-02-03. Review status: criteria provided, single submitter. Criteria: Invitae Variant Classification Sherloc (09022015). Collection method: clinical testing. Allele origin: germline.

ARUP Laboratories, Molecular Genetics and Genomics, ARUP Laboratories
Classification: Benign. Last evaluated: 2024-11-18. Review status: criteria provided, single submitter. Criteria: ARUP Molecular Germline Variant Investigation Process 2024. Collection method: clinical testing. Allele origin: germline.

Blueprint Genetics
Classification: Benign. Last evaluated: 2024-11-06. Review status: criteria provided, single submitter. Criteria: ACMG Guidelines, 2015. Collection method: clinical testing. Allele origin: germline.

Illumina Laboratory Services, Illumina
Classification: Benign for Spinocerebellar Ataxia, Dominant. Last evaluated: 2018-01-12. Review status: criteria provided, single submitter. Criteria: ICSL Variant Classification Criteria 13 December 2019. Collection method: clinical testing. Allele origin: germline.
Comment: This variant was observed in the ICSL laboratory as part of a predisposition screen in an ostensibly healthy population. It had not been previously curated by ICSL or reported in the Human Gene Mutation Database (HGMD: prior to June 1st, 2018), and was therefore a candidate for classification through an automated scoring system. Utilizing variant allele frequency, disease prevalence and penetrance estimates, and inheritance mode, an automated score was calculated to assess if this variant is too frequent to cause the disease. Based on the score and internal cut-off values, a variant classified as benign is not then subjected to further curation. The score for this variant resulted in a classification of benign for this disease.

Illumina Laboratory Services, Illumina
Classification: Benign for Charcot-Marie-Tooth disease axonal type 2O. Last evaluated: 2018-01-12. Review status: criteria provided, single submitter. Criteria: ICSL Variant Classification Criteria 13 December 2019. Collection method: clinical testing. Allele origin: germline.
Comment: the same text as in the submission from Illumina Laboratory Services, Illumina above.

Mayo Clinic Laboratories, Mayo Clinic
Classification: Benign. Last evaluated: 2017-08-16. Review status: criteria provided, single submitter. Criteria: ACMG Guidelines, 2015. Collection method: clinical testing. Allele origin: germline. Observed: 8 variant alleles.

Athena Diagnostics
Classification: Benign. Last evaluated: 2017-07-03. Review status: criteria provided, single submitter. Criteria: Athena Diagnostics Criteria. Collection method: clinical testing. Allele origin: germline.

Ambry Genetics
Classification: Likely benign for Inborn genetic diseases. Last evaluated: 2016-06-28. Review status: criteria provided, single submitter. Criteria: Ambry Variant Classification Scheme 2023. Collection method: clinical testing. Allele origin: germline.

Eurofins Ntd Llc (ga)
Classification: Likely benign. Last evaluated: 2015-04-21. Review status: criteria provided, single submitter. Criteria: EGL Classification Definitions 2015. Collection method: clinical testing. Allele origin: germline. Observed: 1 variant allele, 1 heterozygote.

GeneDx
Classification: Benign. Last evaluated: 2015-03-03. Review status: criteria provided, single submitter. Criteria: GeneDx Variant Classification Process June 2021. Collection method: clinical testing. Allele origin: germline. Affected: yes.

Breakthrough Genomics
Classification: Likely benign. Review status: criteria provided, single submitter. Criteria: ACMG Guidelines, 2015. Collection method: not provided. Allele origin: germline. Inheritance: Autosomal dominant inheritance. Affected: yes.

Molecular Genetics Laboratory, London Health Sciences Centre
Classification: Benign for Charcot-Marie-Tooth disease. Review status: criteria provided, single submitter. Criteria: ACMG Guidelines, 2015. Collection method: clinical testing. Allele origin: germline. Affected: yes.

PreventionGenetics, part of Exact Sciences
Classification: Benign for DYNC1H1-related condition. Last evaluated: 2024-02-21. Review status: no assertion criteria provided. Collection method: clinical testing. Allele origin: germline. Not counted in ClinVar's aggregate classification.
Comment: This variant is classified as benign based on ACMG/AMP sequence variant interpretation guidelines (Richards et al. 2015 PMID: 25741868, with internal and published modifications).